The following is an entry in ClinVar:

NM_130384.3(ATRIP):c.1610C>T (p.Pro537Leu)

Genes: ATRIP (ATR interacting protein; plus strand), ATRIP-TREX1 (ATRIP-TREX1 readthrough; plus strand). Cytogenetic location: 3p21.31.
Variant type: single nucleotide variant.
Coding change: c.1610C>T on transcript NM_130384.3 (MANE Select); coding-DNA position 1610, C replaced by T.
Protein change: p.Pro537Leu; replaces proline 537 with leucine.
Molecular consequence: missense variant. On other transcripts: non-coding transcript variant (1).
Genome position (GRCh38, 1-based): chr3:48,460,664, C>T. VCF-style: chr3-48460664-C-T. GRCh37 (hg19) VCF-style: chr3-48502063-C-T.
Other names: c.1229C>T, p.Pro410Leu (NM_001271022.2); c.1331C>T, p.Pro444Leu (NM_001271023.2); c.1610C>T, p.Pro537Leu (NM_032166.4); short protein forms P410L, P444L, P537L.
Identifiers: ClinVar variation 3811158 (VCV003811158.1).

ClinVar aggregate classification (germline): Uncertain significance (1 of 4 stars; one submission).

gnomAD v4.1: 1 of 1,614,180 alleles (0.000062%); highest among the groups gnomAD compares: Non-Finnish European, 0.000085%; no homozygotes.

Submission:

Ambry Genetics
Classification: Uncertain significance. Last evaluated: 2025-03-07. Review status: criteria provided, single submitter. Criteria: Ambry Variant Classification Scheme 2023. Collection method: clinical testing. Allele origin: germline.
Comment: The p.P537L variant (also known as c.1610C>T), located in coding exon 8 of the ATRIP gene, results from a C to T substitution at nucleotide position 1610. The proline at codon 537 is replaced by leucine, an amino acid with similar properties. This amino acid position is conserved. In addition, the in silico prediction for this alteration is inconclusive. Based on the available evidence, the clinical significance of this variant remains unclear.